The following is an entry in ClinVar:

NM_018706.7(DHTKD1):c.2525C>T (p.Pro842Leu)

Gene: DHTKD1 (dehydrogenase E1 and transketolase domain containing 1; plus strand). Cytogenetic location: 10p14.
Variant type: single nucleotide variant.
Coding change: c.2525C>T on transcript NM_018706.7 (MANE Select); coding-DNA position 2525, C replaced by T.
Protein change: p.Pro842Leu; replaces proline 842 with leucine.
Molecular consequence: missense variant.
Genome position (GRCh38, 1-based): chr10:12,118,871, C>T. VCF-style: chr10-12118871-C-T. GRCh37 (hg19) VCF-style: chr10-12160870-C-T.
Other names: c.2525C>T (NM_018706.5); short protein forms P842L.
Identifiers: ClinVar variation 1508762 (VCV001508762.7), dbSNP rs374419452, ClinGen allele CA5408289.

ClinVar aggregate classification (germline): Uncertain significance. Review status: criteria provided, multiple submitters, no conflicts (2 of 4 stars). 2 submissions from 2 submitters: Uncertain significance (2). Last evaluated 2026-01-27.

Conditions:
Inborn genetic diseases. Identifiers: MedGen C0950123, MeSH D030342.
2-aminoadipic 2-oxoadipic aciduria (AAKAD). Also called: Aminoadipic aciduria; ALPHA-AMINOADIPIC AND ALPHA-KETOADIPIC ACIDURIA. Identifiers: Orphanet 79154, MedGen C1859817, MONDO:0008774, OMIM 204750.

Allele frequency attached by ClinVar (database versions not stated): gnomAD exomes 0.00003 and 0.00004; ExAC 0.00005; TOPMed 0.00005; ESP Exome Variant Server 0.00008; gnomAD 0.00010.
gnomAD v4.1: 79 of 1,605,476 alleles (0.0049%); highest among the groups gnomAD compares: Non-Finnish European, 0.0062%; no homozygotes.

Submissions (2):

Labcorp Genetics (formerly Invitae), Labcorp
Classification: Uncertain significance for 2-aminoadipic 2-oxoadipic aciduria. Last evaluated: 2026-01-27. Review status: criteria provided, single submitter. Criteria: Invitae Variant Classification Sherloc (09022015). Collection method: clinical testing. Allele origin: germline.
Comment: This sequence change replaces proline, which is neutral and non-polar, with leucine, which is neutral and non-polar, at codon 842 of the DHTKD1 protein (p.Pro842Leu). This variant is present in population databases (rs374419452, gnomAD 0.02%). This variant has not been reported in the literature in individuals affected with DHTKD1-related conditions. ClinVar contains an entry for this variant (Variation ID: 1508762). Invitae Evidence Modeling of protein sequence and biophysical properties (such as structural, functional, and spatial information, amino acid conservation, physicochemical variation, residue mobility, and thermodynamic stability) indicates that this missense variant is expected to disrupt DHTKD1 protein function with a positive predictive value of 80%. In summary, the available evidence is currently insufficient to determine the role of this variant in disease. Therefore, it has been classified as a Variant of Uncertain Significance.

Ambry Genetics
Classification: Uncertain significance for Inborn genetic diseases. Last evaluated: 2025-11-02. Review status: criteria provided, single submitter. Criteria: Ambry Variant Classification Scheme 2023. Collection method: clinical testing. Allele origin: germline.